The following is an entry in ClinVar:

NM_000169.3(GLA):c.970T>G (p.Leu324Val)

Genes: GLA (galactosidase alpha; minus strand), RPL36A-HNRNPH2 (RPL36A-HNRNPH2 readthrough; plus strand). Cytogenetic location: Xq22.1.
Variant type: single nucleotide variant.
Coding change: c.970T>G on transcript NM_000169.3 (MANE Select); coding-DNA position 970, T replaced by G.
Protein change: p.Leu324Val; replaces leucine 324 with valine.
Molecular consequence: missense variant. On other transcripts: non-coding transcript variant (3), intron variant (2).
Genome position (GRCh38, 1-based): chrX:101,398,399, A>C on the plus strand (T>G on the coding strand, the complement: GLA is on the minus strand). VCF-style: chrX-101398399-A-C. GRCh37 (hg19) VCF-style: chrX-100653387-A-C.
Other names: c.1093T>G, p.Leu365Val (NM_001406747.1); c.970T>G, p.Leu324Val (NM_001406748.1); c.300+2942A>C (NM_001199973.2); c.177+6577A>C (NM_001199974.2); short protein forms L324V, L365V.
Identifiers: ClinVar variation 2773412 (VCV002773412.2), dbSNP rs1569302924, ClinGen allele CA413921446.

ClinVar aggregate classification (germline): Uncertain significance (1 of 4 stars; one submission).

Conditions:
Fabry disease. Also called: Fabry's disease; ALPHA-GALACTOSIDASE A DEFICIENCY; ANDERSON-FABRY DISEASE; CERAMIDE TRIHEXOSIDASE DEFICIENCY; GLA DEFICIENCY; HEREDITARY DYSTOPIC LIPIDOSIS. Identifiers: Orphanet 324, MedGen C0002986, MONDO:0010526, OMIM 301500, HP:0001071. Disease mechanism: Fabry disease is due to inactivating mutations in the X-linked GLA gene resulting in deficiency of the enzyme Alpha Galactosidase-A., loss of function.

Submission:

Color Diagnostics, LLC DBA Color Health
Classification: Uncertain significance for Fabry disease. Last evaluated: 2024-03-06. Review status: criteria provided, single submitter. Criteria: ACMG Guidelines, 2015. Collection method: clinical testing. Allele origin: germline.
Comment: This missense variant replaces leucine with valine at codon 324 of the GLA protein. Computational prediction suggests that this variant may have deleterious impact on protein structure and function (internally defined REVEL score threshold >= 0.7, PMID: 27666373). To our knowledge, functional studies have not been reported for this variant. This variant has not been reported in individuals affected with GLA-related disorders in the literature. This variant has not been identified in the general population by the Genome Aggregation Database (gnomAD). The available evidence is insufficient to determine the role of this variant in disease conclusively. Therefore, this variant is classified as a Variant of Uncertain Significance.